The following is an entry in ClinVar:

ClinVar aggregate classification (germline): Uncertain significance. Review status: criteria provided, multiple submitters, no conflicts (2 of 4 stars). 2 submissions from 2 submitters: Uncertain significance (2). Last evaluated 2023-09-12.

Conditions:
Imerslund-Grasbeck syndrome. Also called: ENTEROCYTE COBALAMIN MALABSORPTION; ENTEROCYTE INTRINSIC FACTOR RECEPTOR, DEFECT OF; PERNICIOUS ANEMIA, JUVENILE, DUE TO SELECTIVE INTESTINAL MALABSORPTION OF VITAMIN B12, WITH PROTEINURIA; Megaloblastic anemia due to inborn errors of metabolism; Imerslund-Gräsbeck syndrome. Identifiers: Orphanet 35858, MedGen C4551825, MONDO:0009853.
Inborn genetic diseases. Identifiers: MedGen C0950123, MeSH D030342.

Allele frequency attached by ClinVar (database versions not stated): gnomAD exomes below 0.00001; TOPMed 0.00001.
gnomAD v4.1: 5 of 1,613,982 alleles (0.00031%); highest among the groups gnomAD compares: Admixed American, 0.0067%; no homozygotes.

Submissions (2):

Labcorp Genetics (formerly Invitae), Labcorp
Classification: Uncertain significance for Imerslund-Grasbeck syndrome. Last evaluated: 2023-09-12. Review status: criteria provided, single submitter. Criteria: Invitae Variant Classification Sherloc (09022015). Collection method: clinical testing. Allele origin: germline.
Comment: In summary, the available evidence is currently insufficient to determine the role of this variant in disease. Therefore, it has been classified as a Variant of Uncertain Significance. Advanced modeling of protein sequence and biophysical properties (such as structural, functional, and spatial information, amino acid conservation, physicochemical variation, residue mobility, and thermodynamic stability) performed at Invitae indicates that this missense variant is not expected to disrupt CUBN protein function. ClinVar contains an entry for this variant (Variation ID: 2410378). This variant has not been reported in the literature in individuals affected with CUBN-related conditions. This variant is present in population databases (no rsID available, gnomAD 0.01%). This sequence change replaces valine, which is neutral and non-polar, with leucine, which is neutral and non-polar, at codon 1731 of the CUBN protein (p.Val1731Leu).

Ambry Genetics
Classification: Uncertain significance for Inborn genetic diseases. Last evaluated: 2022-08-16. Review status: criteria provided, single submitter. Criteria: Ambry Variant Classification Scheme 2023. Collection method: clinical testing. Allele origin: germline.

NM_001081.4(CUBN):c.5191G>C (p.Val1731Leu)

Gene: CUBN (cubilin; minus strand). Cytogenetic location: 10p13.
Variant type: single nucleotide variant.
Coding change: c.5191G>C on transcript NM_001081.4 (MANE Select); coding-DNA position 5191, G replaced by C.
Protein change: p.Val1731Leu; replaces valine 1731 with leucine.
Molecular consequence: missense variant.
Genome position (GRCh38, 1-based): chr10:16,948,496, C>G on the plus strand (G>C on the coding strand, the complement: CUBN is on the minus strand). VCF-style: chr10-16948496-C-G. GRCh37 (hg19) VCF-style: chr10-16990495-C-G.
Other names: short protein forms V1731L.
Identifiers: ClinVar variation 2410378 (VCV002410378.3), dbSNP rs1487735705, ClinGen allele CA376160410.